The following is an entry in ClinVar:

ClinVar aggregate classification (germline): Uncertain significance (1 of 4 stars; one submission).

Submission:

Labcorp Genetics (formerly Invitae), Labcorp
Classification: Uncertain significance. Last evaluated: 2023-08-10. Review status: criteria provided, single submitter. Criteria: Invitae Variant Classification Sherloc (09022015). Collection method: clinical testing. Allele origin: unknown.
Comment: This variant is a gross deletion of the genomic region encompassing exon(s) 16 of the ARMC9 gene. This variant would be expected to be in-frame, preserving the integrity of the reading frame. This variant has not been reported in the literature in individuals affected with ARMC9-related conditions. Experimental studies and prediction algorithms are not available or were not evaluated, and the functional significance of this variant is currently unknown. This variant disrupts a region of the ARMC9 protein in which other variant(s) (p.Pro520Leu) have been observed in individuals with ARMC9-related conditions (PMID: 28625504). This suggests that this is a clinically significant region of the protein, and that variants that disrupt it are likely to be disease-causing. In summary, the available evidence is currently insufficient to determine the role of this variant in disease. Therefore, it has been classified as a Variant of Uncertain Significance.

Literature cited by the submitters: PubMed 28625504.

NC_000002.11:g.(?_232146752)_(232146866_?)del

Gene: ARMC9 (armadillo repeat containing 9; plus strand). Cytogenetic location: 2q37.1.
Variant type: Deletion.
Identifiers: ClinVar variation 3247488 (VCV003247488.1).